The following is an entry in ClinVar:

ClinVar aggregate classification (germline): Likely benign (1 of 4 stars; one submission).

Conditions:
SIN3A-related intellectual disability syndrome due to a point mutation. Also called: 15q24 Microdeletion Syndrome; WITTEVEEN-KOLK SYNDROME. Identifiers: Orphanet 500166, Orphanet 94065, MedGen C4310804, MONDO:0044700, OMIM 613406.

gnomAD v4.1: 1 of 1,551,742 alleles (0.000064%); highest among the groups gnomAD compares: Non-Finnish European, 0.000088%; no homozygotes.

Submission:

Centre for Medical Genetics,  Mumbai
Classification: Likely benign for SIN3A-related intellectual disability syndrome due to a point mutation. Last evaluated: 2026-02-09. Review status: criteria provided, single submitter. Criteria: ACMG Guidelines, 2015. Collection method: provider interpretation. Allele origin: germline. Inheritance: Autosomal dominant inheritance. Affected: no. Observed: 1 heterozygote.
Comment: The variant satisfies PM2 criteria; Extremely low frequency in gnomAD population databases. The variant satisfies PP2 criteria; Missense variant in a gene with low rate of benign missense mutations and for which missense mutation is a common mechanism of a disease. However, the variant satisfies BS2 criteria.

Literature cited by the submitters: PubMed 27399968.

NM_001145358.2(SIN3A):c.433A>G (p.Asn145Asp)

Gene: SIN3A (SIN3 transcription regulator family member A; minus strand). Cytogenetic location: 15q24.2.
Variant type: single nucleotide variant.
Coding change: c.433A>G on transcript NM_001145358.2 (MANE Select); coding-DNA position 433, A replaced by G.
Protein change: p.Asn145Asp; replaces asparagine 145 with aspartic acid.
Molecular consequence: missense variant.
Genome position (GRCh38, 1-based): chr15:75,414,245, T>C on the plus strand (A>G on the coding strand, the complement: SIN3A is on the minus strand). VCF-style: chr15-75414245-T-C. GRCh37 (hg19) VCF-style: chr15-75706586-T-C.
Other names: c.433A>G, p.Asn145Asp (NM_001145357.2, NM_001437462.1, NM_001437463.1 and 1 more transcripts); short protein forms N145D.
Identifiers: ClinVar variation 4759216 (VCV004759216.1).